The following is an entry in ClinVar:

NM_001692.4(ATP6V1B1):c.1037C>T (p.Pro346Leu)

Gene: ATP6V1B1 (ATPase H+ transporting V1 subunit B1; plus strand). Cytogenetic location: 2p13.3.
Variant type: single nucleotide variant.
Coding change: c.1037C>T on transcript NM_001692.4 (MANE Select); coding-DNA position 1037, C replaced by T.
Protein change: p.Pro346Leu; replaces proline 346 with leucine.
Molecular consequence: missense variant.
Genome position (GRCh38, 1-based): chr2:70,963,289, C>T. VCF-style: chr2-70963289-C-T. GRCh37 (hg19) VCF-style: chr2-71190419-C-T.
Other names: short protein forms P346L.
Identifiers: ClinVar variation 4747680 (VCV004747680.1).

ClinVar aggregate classification (germline): Uncertain significance (1 of 4 stars; one submission).

gnomAD v4.1: 3 of 1,613,306 alleles (0.00019%); highest among the groups gnomAD compares: East Asian, 0.0045%; no homozygotes.

Submission:

Labcorp Genetics (formerly Invitae), Labcorp
Classification: Uncertain significance. Last evaluated: 2025-12-19. Review status: criteria provided, single submitter. Criteria: Invitae Variant Classification Sherloc (09022015). Collection method: clinical testing. Allele origin: germline.
Comment: This sequence change replaces proline, which is neutral and non-polar, with leucine, which is neutral and non-polar, at codon 346 of the ATP6V1B1 protein (p.Pro346Leu). This variant is present in population databases (rs781838938, gnomAD 0.06%). This variant has not been reported in the literature in individuals affected with ATP6V1B1-related conditions. Invitae Evidence Modeling of protein sequence and biophysical properties (such as structural, functional, and spatial information, amino acid conservation, physicochemical variation, residue mobility, and thermodynamic stability) has been performed for this missense variant. However, the output from this modeling did not meet the statistical confidence thresholds required to predict the impact of this variant on ATP6V1B1 protein function. This variant disrupts the p.Pro346 amino acid residue in ATP6V1B1. Other variant(s) that disrupt this residue have been determined to be pathogenic (PMID: 16611712, 22509993, 27247958, 28188436). This suggests that this residue is clinically significant, and that variants that disrupt this residue are likely to be disease-causing. In summary, the available evidence is currently insufficient to determine the role of this variant in disease. Therefore, it has been classified as a Variant of Uncertain Significance.

Literature cited by the submitters: PubMed 16611712; PubMed 22509993; PubMed 27247958; PubMed 28188436.